The following is an entry in ClinVar:

NM_002168.4(IDH2):c.675C>A (p.Asp225Glu)

Gene: IDH2 (isocitrate dehydrogenase (NADP(+)) 2; minus strand). Cytogenetic location: 15q26.1.
Variant type: single nucleotide variant.
Coding change: c.675C>A on transcript NM_002168.4 (MANE Select); coding-DNA position 675, C replaced by A.
Protein change: p.Asp225Glu; replaces aspartic acid 225 with glutamic acid.
Molecular consequence: missense variant.
Genome position (GRCh38, 1-based): chr15:90,088,362, G>T on the plus strand (C>A on the coding strand, the complement: IDH2 is on the minus strand). VCF-style: chr15-90088362-G-T. GRCh37 (hg19) VCF-style: chr15-90631594-G-T.
Other names: c.519C>A, p.Asp173Glu (NM_001289910.1); c.285C>A, p.Asp95Glu (NM_001290114.2); short protein forms D95E, D173E, D225E.
Identifiers: ClinVar variation 2103277 (VCV002103277.4), dbSNP rs543891249, ClinGen allele CA393801879.

ClinVar aggregate classification (germline): Uncertain significance (1 of 4 stars; one submission).

Conditions:
D-2-hydroxyglutaric aciduria 2 (D2HGA2). Identifiers: Orphanet 79315, MedGen C3150909, MONDO:0013345, OMIM 613657.

Submission:

Labcorp Genetics (formerly Invitae), Labcorp
Classification: Uncertain significance for D-2-hydroxyglutaric aciduria 2. Last evaluated: 2024-02-24. Review status: criteria provided, single submitter. Criteria: Invitae Variant Classification Sherloc (09022015). Collection method: clinical testing. Allele origin: germline.
Comment: This sequence change replaces aspartic acid, which is acidic and polar, with glutamic acid, which is acidic and polar, at codon 225 of the IDH2 protein (p.Asp225Glu). This variant is not present in population databases (gnomAD no frequency). This variant has not been reported in the literature in individuals affected with IDH2-related conditions. ClinVar contains an entry for this variant (Variation ID: 2103277). Advanced modeling of protein sequence and biophysical properties (such as structural, functional, and spatial information, amino acid conservation, physicochemical variation, residue mobility, and thermodynamic stability) performed at Invitae indicates that this missense variant is not expected to disrupt IDH2 protein function with a negative predictive value of 80%. In summary, the available evidence is currently insufficient to determine the role of this variant in disease. Therefore, it has been classified as a Variant of Uncertain Significance.